The following is an entry in ClinVar:

ClinVar aggregate classification (germline): Uncertain significance. Review status: criteria provided, multiple submitters, no conflicts (2 of 4 stars). 5 submissions from 5 submitters: Uncertain significance (5). Last evaluated 2025-12-15.

Conditions:
KATNIP-related disorder. Also called: KATNIP-related condition.

Allele frequency attached by ClinVar (database versions not stated): ESP Exome Variant Server 0.00008.
gnomAD v4.1: 59 of 1,614,110 alleles (0.0037%); highest among the groups gnomAD compares: African/African-American, 0.028%; no homozygotes.

Submissions (5):

Ambry Genetics
Classification: Uncertain significance. Last evaluated: 2025-12-15. Review status: criteria provided, single submitter. Criteria: Ambry Variant Classification Scheme 2023. Collection method: clinical testing. Allele origin: germline.

Labcorp Genetics (formerly Invitae), Labcorp
Classification: Uncertain significance. Last evaluated: 2025-11-26. Review status: criteria provided, single submitter. Criteria: Invitae Variant Classification Sherloc (09022015). Collection method: clinical testing. Allele origin: germline.
Comment: This sequence change replaces alanine, which is neutral and non-polar, with aspartic acid, which is acidic and polar, at codon 9 of the KIAA0556 protein (p.Ala9Asp). This variant is present in population databases (rs150063976, gnomAD 0.02%). This variant has not been reported in the literature in individuals affected with KIAA0556-related conditions. ClinVar contains an entry for this variant (Variation ID: 1682048). An algorithm developed to predict the effect of missense changes on protein structure and function (PolyPhen-2) suggests that this variant is likely to be disruptive. In summary, the available evidence is currently insufficient to determine the role of this variant in disease. Therefore, it has been classified as a Variant of Uncertain Significance.

PreventionGenetics, part of Exact Sciences
Classification: Uncertain significance for KATNIP-related condition. Last evaluated: 2025-04-09. Review status: criteria provided, single submitter. Criteria: ACMG Guidelines, 2015. Collection method: clinical testing. Allele origin: germline.
Comment: The KATNIP c.26C>A variant is predicted to result in the amino acid substitution p.Ala9Asp. To our knowledge, this variant has not been reported in the literature. This variant is reported in 0.032% of alleles in individuals of African descent in gnomAD. At this time, the clinical significance of this variant is uncertain due to the absence of conclusive functional and genetic evidence.

Blueprint Genetics
Classification: Uncertain significance. Last evaluated: 2024-11-01. Review status: criteria provided, single submitter. Criteria: ACMG Guidelines, 2015. Collection method: clinical testing. Allele origin: germline.

Women's Health and Genetics/Laboratory Corporation of America, LabCorp
Classification: Uncertain significance. Last evaluated: 2023-08-30. Review status: criteria provided, single submitter. Criteria: LabCorp Variant Classification Summary - May 2015. Collection method: clinical testing. Allele origin: germline.
Comment: Variant summary: KIAA0556/KATNIP c.26C>A (p.Ala9Asp) results in a non-conservative amino acid change in the encoded protein sequence. Three of five in-silico tools predict a damaging effect of the variant on protein function. The variant allele was found at a frequency of 3.9e-05 in 282860 control chromosomes (gnomAD). To our knowledge, no occurrence of c.26C>A in individuals affected with Joubert Syndrome 26 and no experimental evidence demonstrating its impact on protein function have been reported. One ClinVar submitter has assessed the variant since 2014, and classified the variant as uncertain significance. Based on the evidence outlined above, the variant was classified as uncertain significance.

NM_015202.5(KATNIP):c.26C>A (p.Ala9Asp)

Gene: KATNIP (katanin interacting protein; plus strand). Cytogenetic location: 16p12.1.
Variant type: single nucleotide variant.
Coding change: c.26C>A on transcript NM_015202.5 (MANE Select); coding-DNA position 26, C replaced by A.
Protein change: p.Ala9Asp; replaces alanine 9 with aspartic acid.
Molecular consequence: missense variant.
Genome position (GRCh38, 1-based): chr16:27,573,919, C>A. VCF-style: chr16-27573919-C-A. GRCh37 (hg19) VCF-style: chr16-27585240-C-A.
Other names: c.26C>A (NM_015202.2, NM_015202.3); short protein forms A9D.
Identifiers: ClinVar variation 1682048 (VCV001682048.11), dbSNP rs150063976, ClinGen allele CA7977177.
Genomic context (GRCh38, chr16:27,573,919, plus strand): 5'-TAAAACAGCCTTAATCTTGGTTCTGCTTTTGAACTGCGACAGGTCAGACTCTGCGAAAGG[C>A]CGAGAGAAGCTGGTCCTGCTCACGAGAGAAAAAGGAGGTAAATGTGTCCCTGGCGAGGGC-3'
Protein context (NP_056017.4, residues 1-19): MDGQTLRK[Ala9Asp]ERSWSCSREK